The following is an entry in ClinVar:

NM_021147.5(CCNO):c.26C>T (p.Pro9Leu)

Gene: CCNO (cyclin O; minus strand). Cytogenetic location: 5q11.2.
Variant type: single nucleotide variant.
Coding change: c.26C>T on transcript NM_021147.5 (MANE Select); coding-DNA position 26, C replaced by T.
Protein change: p.Pro9Leu; replaces proline 9 with leucine.
Molecular consequence: missense variant. On other transcripts: non-coding transcript variant (2).
Genome position (GRCh38, 1-based): chr5:55,233,498, G>A on the plus strand (C>T on the coding strand, the complement: CCNO is on the minus strand). VCF-style: chr5-55233498-G-A. GRCh37 (hg19) VCF-style: chr5-54529326-G-A.
Other names: c.26C>T (NM_021147.3); short protein forms P9L.
Identifiers: ClinVar variation 2043066 (VCV002043066.2), dbSNP rs776702978, ClinGen allele CA3266881.

ClinVar aggregate classification (germline): Uncertain significance. Review status: criteria provided, multiple submitters, no conflicts (2 of 4 stars). 2 submissions from 2 submitters: Uncertain significance (2). Last evaluated 2024-05-08.

Conditions:
Primary ciliary dyskinesia. Also called: Ciliary dyskinesia. Identifiers: Orphanet 244, MedGen C0008780, MONDO:0016575, HP:0012265.
Inborn genetic diseases. Identifiers: MedGen C0950123, MeSH D030342.

Allele frequency attached by ClinVar (database versions not stated): gnomAD 0.00001; TOPMed 0.00001; gnomAD exomes 0.00003; ExAC 0.00013.
gnomAD v4.1: 53 of 1,594,890 alleles (0.0033%); highest among the groups gnomAD compares: South Asian, 0.052%; no homozygotes.

Submissions (2):

Ambry Genetics
Classification: Uncertain significance for Inborn genetic diseases. Last evaluated: 2024-05-08. Review status: criteria provided, single submitter. Criteria: Ambry Variant Classification Scheme 2023. Collection method: clinical testing. Allele origin: germline.

Labcorp Genetics (formerly Invitae), Labcorp
Classification: Uncertain significance for Primary ciliary dyskinesia. Last evaluated: 2022-01-27. Review status: criteria provided, single submitter. Criteria: Invitae Variant Classification Sherloc (09022015). Collection method: clinical testing. Allele origin: germline.
Comment: This sequence change replaces proline, which is neutral and non-polar, with leucine, which is neutral and non-polar, at codon 9 of the CCNO protein (p.Pro9Leu). This variant is present in population databases (rs776702978, gnomAD 0.07%). This variant has not been reported in the literature in individuals affected with CCNO-related conditions. Algorithms developed to predict the effect of missense changes on protein structure and function output the following: SIFT: "Tolerated"; PolyPhen-2: "Benign"; Align-GVGD: "Class C0". The leucine amino acid residue is found in multiple mammalian species, which suggests that this missense change does not adversely affect protein function. In summary, the available evidence is currently insufficient to determine the role of this variant in disease. Therefore, it has been classified as a Variant of Uncertain Significance.